The following is an entry in ClinVar:

NM_152384.3(BBS5):c.901G>A (p.Ala301Thr)

Gene: BBS5 (Bardet-Biedl syndrome 5; plus strand). Cytogenetic location: 2q31.1.
Variant type: single nucleotide variant.
Coding change: c.901G>A on transcript NM_152384.3 (MANE Select); coding-DNA position 901, G replaced by A.
Protein change: p.Ala301Thr; replaces alanine 301 with threonine.
Molecular consequence: missense variant.
Genome position (GRCh38, 1-based): chr2:169,504,303, G>A. VCF-style: chr2-169504303-G-A. GRCh37 (hg19) VCF-style: chr2-170360813-G-A.
Other names: short protein forms A301T.
Identifiers: ClinVar variation 3479930 (VCV003479930.2).

ClinVar aggregate classification (germline): Uncertain significance. Review status: criteria provided, multiple submitters, no conflicts (2 of 4 stars). 2 submissions from 2 submitters: Uncertain significance (2). Last evaluated 2026-06-26.

Conditions:
BBS5-related disorder. Also called: BBS5-related condition.
Inborn genetic diseases. Identifiers: MedGen C0950123, MeSH D030342.

gnomAD v4.1: 1 of 1,612,844 alleles (0.000062%); highest among the groups gnomAD compares: Non-Finnish European, 0.000085%; no homozygotes.

Submissions (2):

PreventionGenetics, part of Exact Sciences
Classification: Uncertain significance for BBS5-related condition. Last evaluated: 2026-06-26. Review status: criteria provided, single submitter. Criteria: ACMG Guidelines, 2015. Collection method: clinical testing. Allele origin: germline.
Comment: The BBS5 c.901G>A variant is predicted to result in the amino acid substitution p.Ala301Thr. To our knowledge, this variant has not been reported in the literature or in a large population database (gnomAD), indicating this variant is rare. At this time, the clinical significance of this variant is uncertain due to the absence of conclusive functional and genetic evidence.

Ambry Genetics
Classification: Uncertain significance for Inborn genetic diseases. Last evaluated: 2024-11-08. Review status: criteria provided, single submitter. Criteria: Ambry Variant Classification Scheme 2023. Collection method: clinical testing. Allele origin: germline.